The following is an entry in ClinVar:

ClinVar aggregate classification (germline): Uncertain significance (1 of 4 stars; one submission).

Conditions:
Hereditary cancer-predisposing syndrome. Also called: Neoplastic Syndromes, Hereditary; Tumor predisposition; Hereditary Cancer Syndrome; Hereditary neoplastic syndrome. Identifiers: Orphanet 140162, MedGen C0027672, MeSH D009386, MONDO:0015356.

Submission:

Ambry Genetics
Classification: Uncertain significance for Hereditary cancer-predisposing syndrome. Last evaluated: 2024-11-17. Review status: criteria provided, single submitter. Criteria: Ambry Variant Classification Scheme 2023. Collection method: clinical testing. Allele origin: germline.
Comment: The p.K722Q variant (also known as c.2164A>C), located in coding exon 12 of the RET gene, results from an A to C substitution at nucleotide position 2164. The lysine at codon 722 is replaced by glutamine, an amino acid with similar properties. This amino acid position is conserved. In addition, the in silico prediction for this alteration is inconclusive. Based on the available evidence, the clinical significance of this variant remains unclear.

NM_020975.6(RET):c.2164A>C (p.Lys722Gln)

Gene: RET (ret proto-oncogene; plus strand). Cytogenetic location: 10q11.21.
Variant type: single nucleotide variant.
Coding change: c.2164A>C on transcript NM_020975.6 (MANE Select); coding-DNA position 2164, A replaced by C.
Protein change: p.Lys722Gln; replaces lysine 722 with glutamine.
Molecular consequence: missense variant.
Genome position (GRCh38, 1-based): chr10:43,116,611, A>C. VCF-style: chr10-43116611-A-C. GRCh37 (hg19) VCF-style: chr10-43612059-A-C.
Other names: c.1402A>C, p.Lys468Gln (NM_001355216.2); c.2164A>C, p.Lys722Gln (NM_001406743.1, NM_001406744.1, NM_001406759.1 and 2 more transcripts); c.2035A>C, p.Lys679Gln (NM_001406761.1, NM_001406762.1, NM_001406764.1); c.2029A>C, p.Lys677Gln (NM_001406763.1, NM_001406765.1); c.1876A>C, p.Lys626Gln (NM_001406766.1, NM_001406767.1, NM_001406770.1); c.1900A>C, p.Lys634Gln (NM_001406768.1); c.1768A>C, p.Lys590Gln (NM_001406769.1, NM_001406772.1); c.1726A>C, p.Lys576Gln (NM_001406771.1, NM_001406773.1); and 10 more; short protein forms K239Q, K383Q, K392Q, K423Q, K576Q, K327Q, K547Q, K590Q.
Identifiers: ClinVar variation 3432295 (VCV003432295.1).